The following is an entry in ClinVar:

ClinVar aggregate classification (germline): Uncertain significance. Review status: criteria provided, multiple submitters, no conflicts (2 of 4 stars). 2 submissions from 2 submitters: Uncertain significance (2). Last evaluated 2024-11-12.

Conditions:
Autoimmune lymphoproliferative syndrome type 1. Also called: AUTOIMMUNE LYMPHOPROLIFERATIVE SYNDROME, TYPE I, AUTOSOMAL DOMINANT. Identifiers: Orphanet 3261, MedGen C2717884, MONDO:0011158, OMIM 601859.
Inborn genetic diseases. Identifiers: MedGen C0950123, MeSH D030342.

Allele frequency attached by ClinVar (database versions not stated): TOPMed 0.00009; gnomAD 0.00008 and 0.00009; ESP Exome Variant Server 0.00008; ExAC 0.00004.
gnomAD v4.1: 91 of 1,613,964 alleles (0.0056%); highest among the groups gnomAD compares: South Asian, 0.025%; no homozygotes.

Submissions (2):

Labcorp Genetics (formerly Invitae), Labcorp
Classification: Uncertain significance for Autoimmune lymphoproliferative syndrome. Last evaluated: 2024-11-12. Review status: criteria provided, single submitter. Criteria: Invitae Variant Classification Sherloc (09022015). Collection method: clinical testing. Allele origin: germline.
Comment: This sequence change replaces threonine, which is neutral and polar, with methionine, which is neutral and non-polar, at codon 13 of the FAS protein (p.Thr13Met). This variant is present in population databases (rs372880667, gnomAD 0.02%). This variant has not been reported in the literature in individuals affected with FAS-related conditions. ClinVar contains an entry for this variant (Variation ID: 1397597). An algorithm developed to predict the effect of missense changes on protein structure and function (PolyPhen-2) suggests that this variant is likely to be tolerated. In summary, the available evidence is currently insufficient to determine the role of this variant in disease. Therefore, it has been classified as a Variant of Uncertain Significance.

Ambry Genetics
Classification: Uncertain significance for Inborn genetic diseases. Last evaluated: 2024-03-11. Review status: criteria provided, single submitter. Criteria: Ambry Variant Classification Scheme 2023. Collection method: clinical testing. Allele origin: germline.

NM_000043.6(FAS):c.38C>T (p.Thr13Met)

Gene: FAS (Fas cell surface death receptor; plus strand). Cytogenetic location: 10q23.31.
Variant type: single nucleotide variant.
Coding change: c.38C>T on transcript NM_000043.6 (MANE Select); coding-DNA position 38, C replaced by T.
Protein change: p.Thr13Met; replaces threonine 13 with methionine.
Molecular consequence: missense variant. On other transcripts: non-coding transcript variant (7).
Genome position (GRCh38, 1-based): chr10:89,003,036, C>T. VCF-style: chr10-89003036-C-T. GRCh37 (hg19) VCF-style: chr10-90762793-C-T.
Other names: c.38C>T, p.Thr13Met (NM_001320619.2, NM_152871.4, NM_152872.4); c.38C>T (NM_000043.4); short protein forms T13M.
Identifiers: ClinVar variation 1397597 (VCV001397597.7), dbSNP rs372880667, ClinGen allele CA5593020.